The following is an entry in ClinVar:

NM_181776.3(SLC36A2):c.153C>T (p.Thr51=)

Genes: SLC36A1 (solute carrier family 36 member 1; plus strand), SLC36A2 (solute carrier family 36 member 2; minus strand). Cytogenetic location: 5q33.1.
Variant type: single nucleotide variant.
Coding change: c.153C>T on transcript NM_181776.3 (MANE Select); coding-DNA position 153, C replaced by T.
Protein change: p.Thr51=; no amino-acid change (threonine 51 retained).
Molecular consequence: synonymous variant.
Genome position (GRCh38, 1-based): chr5:151,347,308, G>A on the plus strand (C>T on the coding strand, the complement: SLC36A2 is on the minus strand). VCF-style: chr5-151347308-G-A. GRCh37 (hg19) VCF-style: chr5-150726869-G-A.
Identifiers: ClinVar variation 1287839 (VCV001287839.8), dbSNP rs35215996, ClinGen allele CA3519021.

ClinVar aggregate classification (germline): Benign. Review status: criteria provided, multiple submitters, no conflicts (2 of 4 stars). 3 submissions from 3 submitters: Benign (2). 1 of the submissions does not count toward it. Last evaluated 2026-02-01.

Conditions:
SLC36A2-related disorder. Also called: SLC36A2-related condition.

Allele frequency attached by ClinVar (database versions not stated): gnomAD exomes 0.01590; ExAC 0.01945; gnomAD 0.06152 and 0.06602; 1000 Genomes Project 0.06789; ESP Exome Variant Server 0.06781; 1000 Genomes Project 30x 0.07261; TOPMed 0.06960.
gnomAD v4.1: 18,538 of 1,613,954 alleles (1.1%); highest among the groups gnomAD compares: African/African-American, 21%; 1,724 homozygotes.

Submissions (3):

Labcorp Genetics (formerly Invitae), Labcorp
Classification: Benign. Last evaluated: 2026-02-01. Review status: criteria provided, single submitter. Criteria: Invitae Variant Classification Sherloc (09022015). Collection method: clinical testing. Allele origin: germline.

GeneDx
Classification: Benign. Last evaluated: 2021-05-05. Review status: criteria provided, single submitter. Criteria: GeneDx Variant Classification Process June 2021. Collection method: clinical testing. Allele origin: germline. Affected: yes.

PreventionGenetics, part of Exact Sciences
Classification: Benign for SLC36A2-related condition. Last evaluated: 2019-11-08. Review status: no assertion criteria provided. Collection method: clinical testing. Allele origin: germline. Not counted in ClinVar's aggregate classification.
Comment: This variant is classified as benign based on ACMG/AMP sequence variant interpretation guidelines (Richards et al. 2015 PMID: 25741868, with internal and published modifications).